The following is an entry in ClinVar:

NM_025179.4(PLXNA2):c.5178G>A (p.Arg1726=)

Gene: PLXNA2 (plexin A2; minus strand). Cytogenetic location: 1q32.2.
Variant type: single nucleotide variant.
Coding change: c.5178G>A on transcript NM_025179.4 (MANE Select); coding-DNA position 5178, G replaced by A.
Protein change: p.Arg1726=; no amino-acid change (arginine 1726 retained).
Molecular consequence: synonymous variant.
Genome position (GRCh38, 1-based): chr1:208,031,637, C>T on the plus strand (G>A on the coding strand, the complement: PLXNA2 is on the minus strand). VCF-style: chr1-208031637-C-T. GRCh37 (hg19) VCF-style: chr1-208204982-C-T.
Identifiers: ClinVar variation 5002297 (VCV005002297.1).

ClinVar aggregate classification (germline): Likely benign (1 of 4 stars; one submission).

Conditions:
PLXNA2-related disorder. Also called: PLXNA2-related condition.

gnomAD v4.1: 3 of 1,613,960 alleles (0.00019%); highest among the groups gnomAD compares: Admixed American, 0.0017%; no homozygotes.

Submission:

PreventionGenetics, part of Exact Sciences
Classification: Likely benign for PLXNA2-related condition. Last evaluated: 2025-10-22. Review status: criteria provided, single submitter. Criteria: ACMG Guidelines, 2015. Collection method: clinical testing. Allele origin: germline.
Comment: This variant is classified as likely benign based on ACMG/AMP sequence variant interpretation guidelines (Richards et al. 2015 PMID: 25741868, with internal and published modifications).